The following is an entry in ClinVar:

ClinVar aggregate classification (germline): Uncertain significance. Review status: criteria provided, multiple submitters, no conflicts (2 of 4 stars). 2 submissions from 2 submitters: Uncertain significance (2). Last evaluated 2024-07-30.

Conditions:
Cardiovascular phenotype. Identifiers: MedGen CN230736.

Submissions (2):

Women's Health and Genetics/Laboratory Corporation of America, LabCorp
Classification: Uncertain significance. Last evaluated: 2024-07-30. Review status: criteria provided, single submitter. Criteria: LabCorp Variant Classification Summary - May 2015. Collection method: clinical testing. Allele origin: germline.
Comment: Variant summary: SCN10A c.4280delA (p.Lys1427SerfsX2) results in a premature termination codon, predicted to cause a truncation of the encoded protein or absence of the protein due to nonsense mediated decay, however current evidence is not sufficient to establish loss of function as a mechanism for disease. Consensus agreement among computation tools predict no significant impact on normal splicing. However, these predictions have yet to be confirmed by functional studies. The variant allele was found at a frequency of 6.2e-06 in 1607076 control chromosomes (gnomAD database v4). The available data on variant occurrences in the general population are insufficient to allow any conclusion about variant significance. To our knowledge, no occurrence of c.4280delA in individuals affected with SCN10A-Related Disorders and no experimental evidence demonstrating its impact on protein function have been reported. ClinVar contains an entry for this variant (Variation ID: 3158498). Based on the evidence outlined above, the variant was classified as uncertain significance.

Ambry Genetics
Classification: Uncertain significance for Cardiovascular phenotype. Last evaluated: 2023-11-30. Review status: criteria provided, single submitter. Criteria: Ambry Variant Classification Scheme 2023. Collection method: clinical testing. Allele origin: germline.
Comment: Does not currently meet published gene-disease clinical validity criteria Based on insufficient or conflicting evidence, the clinical significance of this alteration remains unclear.

Literature cited by the submitters: PubMed 28106320 (cited by Ambry Genetics).

NM_006514.4(SCN10A):c.4280del (p.Lys1427fs)

Gene: SCN10A (sodium voltage-gated channel alpha subunit 10; minus strand). Cytogenetic location: 3p22.2.
Variant type: Deletion.
Coding change: c.4280del on transcript NM_006514.4 (MANE Select); coding-DNA position 4280, one base deleted (A; older notation c.4280delA).
Protein change: p.Lys1427fs; shifts the reading frame from lysine 1427.
Molecular consequence: frameshift variant.
Genome position (GRCh38, 1-based): chr3:38,709,479, T deleted on the plus strand (A on the coding strand, the reverse complement: SCN10A is on the minus strand); the first of 8 consecutive T bases (chr3:38,709,479-38,709,486); deleting any one gives the same sequence. VCF-style (leftmost placement, unchanged base first): chr3-38709478-CT-C. GRCh37 (hg19) VCF-style: chr3-38750969-CT-C.
Other names: c.4277del, p.Lys1426fs (NM_001293306.2); c.3986del, p.Lys1329fs (NM_001293307.2); c.4280delA (NM_006514.4); short protein forms K1329fs, K1426fs, K1427fs.
Identifiers: ClinVar variation 3158498 (VCV003158498.2), dbSNP rs750400627, ClinGen allele CA2319971.